The following is an entry in ClinVar:

ClinVar aggregate classification (germline): Likely pathogenic. Review status: criteria provided, multiple submitters, no conflicts (2 of 4 stars). 3 submissions from 3 submitters: Likely pathogenic (3). Last evaluated 2025-06-09.

Conditions:
Hereditary nonpolyposis colorectal neoplasms. Identifiers: MedGen C0009405, MeSH D003123.
Lynch syndrome 4 (LYNCH4). Also called: Colorectal cancer, hereditary nonpolyposis, type 4; Hereditary non-polyposis colorectal cancer, type 4. Identifiers: Orphanet 144, MedGen C1838333, MONDO:0013699, OMIM 614337. Disease mechanism: loss of function.
Hereditary cancer-predisposing syndrome. Also called: Tumor predisposition; Hereditary Cancer Syndrome; Neoplastic Syndromes, Hereditary; Hereditary neoplastic syndrome. Identifiers: Orphanet 140162, MedGen C0027672, MeSH D009386, MONDO:0015356.

Allele frequency attached by ClinVar (database versions not stated): TOPMed 0.00001.

Submissions (3):

Ambry Genetics
Classification: Likely pathogenic for Hereditary cancer-predisposing syndrome. Last evaluated: 2025-06-09. Review status: criteria provided, single submitter. Criteria: Ambry Variant Classification Scheme 2023. Collection method: clinical testing. Allele origin: germline.
Comment: The c.1145-2A>G intronic variant results from an A to G substitution two nucleotides upstream from coding exon 11 in the PMS2 gene. This variant is considered to be rare based on population cohorts in the Genome Aggregation Database (gnomAD). This nucleotide position is highly conserved in available vertebrate species. In silico splice site analysis predicts that this alteration will weaken the native splice acceptor site and will result in the creation or strengthening of a novel splice acceptor site; however, direct evidence is insufficient at this time (Ambry internal data). Alterations that disrupt the canonical splice site are expected to cause aberrant splicing, resulting in an abnormal protein or a transcript that is subject to nonsense-mediated mRNA decay. As such, this alteration is classified as likely pathogenic.

Myriad Genetics, Inc.
Classification: Likely pathogenic for Lynch syndrome 4. Last evaluated: 2023-09-20. Review status: criteria provided, single submitter. Criteria: Myriad Autosomal Dominant, Autosomal Recessive and X-Linked Classification Criteria (2023). Collection method: clinical testing. Allele origin: unknown.
Comment: This variant is considered likely pathogenic. This variant occurs within a consensus splice junction and is predicted to result in abnormal mRNA splicing of either an out-of-frame exon or an in-frame exon necessary for protein stability and/or normal function.

Labcorp Genetics (formerly Invitae), Labcorp
Classification: Likely pathogenic for Hereditary nonpolyposis colorectal neoplasms. Last evaluated: 2023-05-10. Review status: criteria provided, single submitter. Criteria: Invitae Variant Classification Sherloc (09022015). Collection method: clinical testing. Allele origin: germline.
Comment: ClinVar contains an entry for this variant (Variation ID: 822245). This variant has not been reported in the literature in individuals affected with PMS2-related conditions. This variant is not present in population databases (gnomAD no frequency). This sequence change affects an acceptor splice site in intron 10 of the PMS2 gene. It is expected to disrupt RNA splicing. Variants that disrupt the donor or acceptor splice site typically lead to a loss of protein function (PMID: 16199547), and loss-of-function variants in PMS2 are known to be pathogenic (PMID: 21376568, 24362816). Algorithms developed to predict the effect of sequence changes on RNA splicing suggest that this variant may disrupt the consensus splice site. In summary, the currently available evidence indicates that the variant is pathogenic, but additional data are needed to prove that conclusively. Therefore, this variant has been classified as Likely Pathogenic.

Literature cited by the submitters: PubMed 16199547 (cited by Labcorp Genetics (formerly Invitae), Labcorp); PubMed 21376568 (cited by Labcorp Genetics (formerly Invitae), Labcorp); PubMed 24362816 (cited by Labcorp Genetics (formerly Invitae), Labcorp).

NM_000535.7(PMS2):c.1145-2A>G

Gene: PMS2 (PMS1 homolog 2, mismatch repair system component; minus strand). Cytogenetic location: 7p22.1.
Variant type: single nucleotide variant.
Coding change: c.1145-2A>G on transcript NM_000535.7 (MANE Select); the canonical splice acceptor site of the intron before coding-DNA position 1145, A replaced by G.
Molecular consequence: splice acceptor variant. On other transcripts: intron variant (1).
Genome position (GRCh38, 1-based): chr7:5,987,622, T>C on the plus strand (A>G on the coding strand, the complement: PMS2 is on the minus strand). VCF-style: chr7-5987622-T-C. GRCh37 (hg19) VCF-style: chr7-6027253-T-C.
Other names: c.827-2A>G (NM_001322008.2, NM_001406883.1, NM_001406903.1 and 2 more transcripts); c.836-2A>G (NM_001406881.1, NM_001406879.1, NM_001322015.2 and 5 more transcripts); c.740-2A>G (NM_001406895.1, NM_001322004.2, NM_001406889.1 and 16 more transcripts); c.374-2A>G (NM_001406911.1); c.584-2A>G (NM_001322010.2, NM_001406906.1, NM_001406907.1); c.671-2A>G (NM_001406902.1, NM_001406901.1); c.632-2A>G (NM_001406904.1, NM_001406905.1); c.572-2A>G (NM_001322013.2, NM_001406909.1); and 13 more.
Identifiers: ClinVar variation 822245 (VCV000822245.15), dbSNP rs1325835006, ClinGen allele CA366742711.